The following is an entry in ClinVar:

NM_001365088.1(SLC12A6):c.1120G>A (p.Val374Ile)

Gene: SLC12A6 (solute carrier family 12 member 6; minus strand). Cytogenetic location: 15q14.
Variant type: single nucleotide variant.
Coding change: c.1120G>A on transcript NM_001365088.1 (MANE Select); coding-DNA position 1120, G replaced by A.
Protein change: p.Val374Ile; replaces valine 374 with isoleucine.
Molecular consequence: missense variant.
Genome position (GRCh38, 1-based): chr15:34,252,383, C>T on the plus strand (G>A on the coding strand, the complement: SLC12A6 is on the minus strand). VCF-style: chr15-34252383-C-T. GRCh37 (hg19) VCF-style: chr15-34544584-C-T.
Other names: c.943G>A, p.Val315Ile (NM_001042494.2, NM_001042495.2); c.1093G>A, p.Val365Ile (NM_001042496.2); c.1075G>A, p.Val359Ile (NM_001042497.2); c.967G>A, p.Val323Ile (NM_005135.2); c.1120G>A, p.Val374Ile (NM_133647.2); short protein forms V365I, V323I, V359I, V374I, V315I.
Identifiers: ClinVar variation 3682054 (VCV003682054.2).

ClinVar aggregate classification (germline): Uncertain significance (1 of 4 stars; one submission).

Submission:

Labcorp Genetics (formerly Invitae), Labcorp
Classification: Uncertain significance. Last evaluated: 2024-09-18. Review status: criteria provided, single submitter. Criteria: Invitae Variant Classification Sherloc (09022015). Collection method: clinical testing. Allele origin: germline.
Comment: This sequence change replaces valine, which is neutral and non-polar, with isoleucine, which is neutral and non-polar, at codon 374 of the SLC12A6 protein (p.Val374Ile). This variant is not present in population databases (gnomAD no frequency). This variant has not been reported in the literature in individuals affected with SLC12A6-related conditions. An algorithm developed to predict the effect of missense changes on protein structure and function (PolyPhen-2) suggests that this variant is likely to be tolerated. In summary, the available evidence is currently insufficient to determine the role of this variant in disease. Therefore, it has been classified as a Variant of Uncertain Significance.